The following is an entry in ClinVar:

NM_004304.5(ALK):c.1714A>C (p.Lys572Gln)

Gene: ALK (ALK receptor tyrosine kinase; minus strand). Cytogenetic location: 2p23.2.
Variant type: single nucleotide variant.
Coding change: c.1714A>C on transcript NM_004304.5 (MANE Select); coding-DNA position 1714, A replaced by C.
Protein change: p.Lys572Gln; replaces lysine 572 with glutamine.
Molecular consequence: missense variant.
Genome position (GRCh38, 1-based): chr2:29,296,991, T>G on the plus strand (A>C on the coding strand, the complement: ALK is on the minus strand). VCF-style: chr2-29296991-T-G. GRCh37 (hg19) VCF-style: chr2-29519857-T-G.
Other names: short protein forms K572Q.
Identifiers: ClinVar variation 4723044 (VCV004723044.1).

ClinVar aggregate classification (germline): Uncertain significance (1 of 4 stars; one submission).

Conditions:
Neuroblastoma, susceptibility to, 3. Also called: ALK-Related Neuroblastic Tumor Susceptibility. Identifiers: Orphanet 635, MedGen C2751681, MONDO:0013083, OMIM 613014.

Submission:

Labcorp Genetics (formerly Invitae), Labcorp
Classification: Uncertain significance for Neuroblastoma, susceptibility to, 3. Last evaluated: 2025-07-13. Review status: criteria provided, single submitter. Criteria: Invitae Variant Classification Sherloc (09022015). Collection method: clinical testing. Allele origin: germline.
Comment: This sequence change replaces lysine, which is basic and polar, with glutamine, which is neutral and polar, at codon 572 of the ALK protein (p.Lys572Gln). This variant is not present in population databases (gnomAD no frequency). This variant has not been reported in the literature in individuals affected with ALK-related conditions. An algorithm developed to predict the effect of missense changes on protein structure and function (PolyPhen-2) suggests that this variant is likely to be disruptive. In summary, the available evidence is currently insufficient to determine the role of this variant in disease. Therefore, it has been classified as a Variant of Uncertain Significance.